The following is an entry in ClinVar:

NM_005560.6(LAMA5):c.666C>G (p.Ile222Met)

Gene: LAMA5 (laminin subunit alpha 5; minus strand). Cytogenetic location: 20q13.33.
Variant type: single nucleotide variant.
Coding change: c.666C>G on transcript NM_005560.6 (MANE Select); coding-DNA position 666, C replaced by G.
Protein change: p.Ile222Met; replaces isoleucine 222 with methionine.
Molecular consequence: missense variant.
Genome position (GRCh38, 1-based): chr20:62,352,263, G>C on the plus strand (C>G on the coding strand, the complement: LAMA5 is on the minus strand). VCF-style: chr20-62352263-G-C. GRCh37 (hg19) VCF-style: chr20-60927319-G-C.
Other names: short protein forms I222M.
Identifiers: ClinVar variation 2633252 (VCV002633252.1), dbSNP rs769538635, ClinGen allele CA409529845.
Genomic context (GRCh38, chr20:62,352,263, plus strand): 5'-TCTCCAGCCCCCGTACCGCCCTGCCCCTCCCCGGCCCACCTCTCCGTTCTCCAGGGGCAC[G>C]ATGCGTGAGTACTCGGTGGTGCAGATGGCCGCGTCGTCCCGTGTGATGCGCTCCAGCGTC-3'
Protein context (NP_005551.3, residues 212-232): AAICTTEYSR[Ile222Met]VPLENGEIVV

ClinVar aggregate classification (germline): Uncertain significance (1 of 4 stars; one submission).

Conditions:
LAMA5-related disorder. Also called: LAMA5-related condition; LAMA5-Related Disorders.

Submission:

PreventionGenetics, part of Exact Sciences
Classification: Uncertain significance for LAMA5-related condition. Last evaluated: 2023-05-17. Review status: criteria provided, single submitter. Criteria: ACMG Guidelines, 2015. Collection method: clinical testing. Allele origin: germline.
Comment: The LAMA5 c.666C>G variant is predicted to result in the amino acid substitution p.Ile222Met. To our knowledge, this variant has not been reported in the literature or in a large population database, indicating this variant is rare. At this time, the clinical significance of this variant is uncertain due to the absence of conclusive functional and genetic evidence.